The following is an entry in ClinVar:

ClinVar aggregate classification (germline): Conflicting classifications of pathogenicity. Review status: criteria provided, conflicting classifications (1 of 4 stars). 10 submissions from 6 submitters: Uncertain significance (1); Benign (6); Likely benign (3). Last evaluated 2026-01-12.

Conditions:
Hypokalemic periodic paralysis, type 2 (HOKPP2). Identifiers: Orphanet 681, MedGen C2750061, MONDO:0013234, OMIM 613345.
Congenital myasthenic syndrome 16. Identifiers: Orphanet 590, MedGen C3280112, MONDO:0013620, OMIM 614198.
Potassium-aggravated myotonia. Also called: Myotonia congenita, atypical, acetazolamide-responsive; MYOTONIA CONGENITA, ACETAZOLAMIDE-RESPONSIVE; MYOTONIA CONGENITA, ATYPICAL; SODIUM CHANNEL MUSCLE DISEASE. Identifiers: Orphanet 612, Orphanet 99734, Orphanet 99735, Orphanet 99736, MedGen C2931826, MONDO:0018959, OMIM 608390.
Hyperkalemic periodic paralysis. Also called: Familial hyperkalemic periodic paralysis; Gamstorp disease. Identifiers: Orphanet 682, MedGen C0238357, MONDO:0008224, OMIM 170500, HP:0007215.
Paramyotonia congenita of Von Eulenburg. Also called: Paramyotonia Congenita; PARALYSIS PERIODICA PARAMYOTONICA; Eulenburg disease; Myotonia congenita intermittens; Von Eulenburg paramyotonia congenita. Identifiers: Orphanet 684, MedGen C0221055, MONDO:0008195, OMIM 168300. Disease mechanism: loss of function.

Allele frequency attached by ClinVar (database versions not stated): gnomAD 0.00112 and 0.00103; ExAC 0.00031; ESP Exome Variant Server 0.00095; TOPMed 0.00106; 1000 Genomes Project 0.00120; gnomAD exomes 0.00012 and 0.00028; 1000 Genomes Project 30x 0.00156.
gnomAD v4.1: 340 of 1,613,850 alleles (0.021%); highest among the groups gnomAD compares: African/African-American, 0.36%; 1 homozygote.

Submissions (10):

Labcorp Genetics (formerly Invitae), Labcorp
Classification: Benign for Hyperkalemic periodic paralysis. Last evaluated: 2026-01-12. Review status: criteria provided, single submitter. Criteria: Invitae Variant Classification Sherloc (09022015). Collection method: clinical testing. Allele origin: germline.

CeGaT Center for Human Genetics Tuebingen
Classification: Likely benign. Last evaluated: 2024-09-01. Review status: criteria provided, single submitter. Criteria: CeGaT Center For Human Genetics Tuebingen Variant Classification Criteria Version 2. Collection method: clinical testing. Allele origin: germline. Affected: yes. Observed: 1 variant allele.
Comment: SCN4A: BP4, BP7

Blueprint Genetics
Classification: Likely benign. Last evaluated: 2024-07-09. Review status: criteria provided, single submitter. Criteria: ACMG Guidelines, 2015. Collection method: clinical testing. Allele origin: germline.

GeneDx
Classification: Likely benign. Last evaluated: 2021-05-27. Review status: criteria provided, single submitter. Criteria: GeneDx Variant Classification Process June 2021. Collection method: clinical testing. Allele origin: germline. Affected: yes.

Athena Diagnostics
Classification: Benign. Last evaluated: 2020-09-15. Review status: criteria provided, single submitter. Criteria: Athena Diagnostics criteria. Collection method: clinical testing. Allele origin: unknown.

Illumina Laboratory Services, Illumina
Classification: Benign for Hyperkalemic periodic paralysis. Last evaluated: 2018-01-13. Review status: criteria provided, single submitter. Criteria: ICSL Variant Classification Criteria 13 December 2019. Collection method: clinical testing. Allele origin: germline.
Comment: This variant was observed in the ICSL laboratory as part of a predisposition screen in an ostensibly healthy population. It had not been previously curated by ICSL or reported in the Human Gene Mutation Database (HGMD: prior to June 1st, 2018), and was therefore a candidate for classification through an automated scoring system. Utilizing variant allele frequency, disease prevalence and penetrance estimates, and inheritance mode, an automated score was calculated to assess if this variant is too frequent to cause the disease. Based on the score and internal cut-off values, a variant classified as benign is not then subjected to further curation. The score for this variant resulted in a classification of benign for this disease.

Illumina Laboratory Services, Illumina
Classification: Benign for Hypokalemic periodic paralysis, type 2. Last evaluated: 2018-01-13. Review status: criteria provided, single submitter. Criteria: ICSL Variant Classification Criteria 13 December 2019. Collection method: clinical testing. Allele origin: germline.
Comment: the same text as in the submission from Illumina Laboratory Services, Illumina above.

Illumina Laboratory Services, Illumina
Classification: Benign for Paramyotonia congenita of Von Eulenburg. Last evaluated: 2018-01-13. Review status: criteria provided, single submitter. Criteria: ICSL Variant Classification Criteria 13 December 2019. Collection method: clinical testing. Allele origin: germline.
Comment: the same text as in the submission from Illumina Laboratory Services, Illumina above.

Illumina Laboratory Services, Illumina
Classification: Benign for Potassium-aggravated myotonia. Last evaluated: 2018-01-13. Review status: criteria provided, single submitter. Criteria: ICSL Variant Classification Criteria 13 December 2019. Collection method: clinical testing. Allele origin: germline.
Comment: the same text as in the submission from Illumina Laboratory Services, Illumina above.

Illumina Laboratory Services, Illumina
Classification: Uncertain significance for Congenital myasthenic syndrome 16. Last evaluated: 2018-01-13. Review status: criteria provided, single submitter. Criteria: ICSL Variant Classification Criteria 13 December 2019. Collection method: clinical testing. Allele origin: germline.

NM_000334.4(SCN4A):c.1011T>C (p.Asp337=)

Gene: SCN4A (sodium voltage-gated channel alpha subunit 4; minus strand). Cytogenetic location: 17q23.3.
Variant type: single nucleotide variant.
Coding change: c.1011T>C on transcript NM_000334.4 (MANE Select); coding-DNA position 1011, T replaced by C.
Protein change: p.Asp337=; no amino-acid change (aspartic acid 337 retained).
Molecular consequence: synonymous variant.
Genome position (GRCh38, 1-based): chr17:63,968,048, A>G on the plus strand (T>C on the coding strand, the complement: SCN4A is on the minus strand). VCF-style: chr17-63968048-A-G. GRCh37 (hg19) VCF-style: chr17-62045408-A-G.
Identifiers: ClinVar variation 324548 (VCV000324548.43), dbSNP rs372791798, ClinGen allele CA8709976.